The following is an entry in ClinVar:

NM_000069.3(CACNA1S):c.5216C>G (p.Ala1739Gly)

Gene: CACNA1S (calcium voltage-gated channel subunit alpha1 S; minus strand). Cytogenetic location: 1q32.1.
Variant type: single nucleotide variant.
Coding change: c.5216C>G on transcript NM_000069.3 (MANE Select); coding-DNA position 5216, C replaced by G.
Protein change: p.Ala1739Gly; replaces alanine 1739 with glycine.
Molecular consequence: missense variant.
Genome position (GRCh38, 1-based): chr1:201,040,632, G>C on the plus strand (C>G on the coding strand, the complement: CACNA1S is on the minus strand). VCF-style: chr1-201040632-G-C. GRCh37 (hg19) VCF-style: chr1-201009760-G-C.
Other names: short protein forms A1739G.
Identifiers: ClinVar variation 3758658 (VCV003758658.2).

ClinVar aggregate classification (germline): Uncertain significance (1 of 4 stars; one submission).

Conditions:
Hypokalemic periodic paralysis, type 1. Also called: Hypokalemic Periodic Paralysis Type 1 (AD); HypoPP. Identifiers: Orphanet 681, MedGen C3714580, MONDO:0042979, OMIM 170400.
Malignant hyperthermia, susceptibility to, 5 (MHS5). Also called: CACNA1S-Related Malignant Hyperthermia Susceptibility. Identifiers: Orphanet 423, MedGen C1866077, MONDO:0011163, OMIM 601887.

Submission:

Labcorp Genetics (formerly Invitae), Labcorp
Classification: Uncertain significance for Hypokalemic periodic paralysis, type 1; Malignant hyperthermia, susceptibility to, 5. Last evaluated: 2024-09-15. Review status: criteria provided, single submitter. Criteria: Invitae Variant Classification Sherloc (09022015). Collection method: clinical testing. Allele origin: germline.
Comment: This sequence change replaces alanine, which is neutral and non-polar, with glycine, which is neutral and non-polar, at codon 1739 of the CACNA1S protein (p.Ala1739Gly). This variant is not present in population databases (gnomAD no frequency). This variant has not been reported in the literature in individuals affected with CACNA1S-related conditions. Invitae Evidence Modeling of protein sequence and biophysical properties (such as structural, functional, and spatial information, amino acid conservation, physicochemical variation, residue mobility, and thermodynamic stability) indicates that this missense variant is not expected to disrupt CACNA1S protein function with a negative predictive value of 95%. In summary, the available evidence is currently insufficient to determine the role of this variant in disease. Therefore, it has been classified as a Variant of Uncertain Significance.